The following is an entry in ClinVar:

NM_000093.5(COL5A1):c.3466G>C (p.Gly1156Arg)

Gene: COL5A1 (collagen type V alpha 1 chain; plus strand). Cytogenetic location: 9q34.3.
Variant type: single nucleotide variant.
Coding change: c.3466G>C on transcript NM_000093.5 (MANE Select); coding-DNA position 3466, G replaced by C.
Protein change: p.Gly1156Arg; replaces glycine 1156 with arginine.
Molecular consequence: missense variant.
Genome position (GRCh38, 1-based): chr9:134,809,282, G>C. VCF-style: chr9-134809282-G-C. GRCh37 (hg19) VCF-style: chr9-137701128-G-C.
Other names: c.3466G>C, p.Gly1156Arg (NM_001278074.1); short protein forms G1156R.
Identifiers: ClinVar variation 3602137 (VCV003602137.1).

ClinVar aggregate classification (germline): Uncertain significance (1 of 4 stars; one submission).

Submission:

GeneDx
Classification: Uncertain significance. Last evaluated: 2024-08-02. Review status: criteria provided, single submitter. Criteria: GeneDx Variant Classification Process June 2021. Collection method: clinical testing. Allele origin: germline. Affected: yes.
Comment: Not observed at significant frequency in large population cohorts (gnomAD); In silico analysis supports that this missense variant has a deleterious effect on protein structure/function; Has not been previously published as pathogenic or benign to our knowledge; This variant is associated with the following publications: (PMID: 22696272)